The following is an entry in ClinVar:

ClinVar aggregate classification (germline): Uncertain significance (1 of 4 stars; one submission).

Conditions:
Charcot-Marie-Tooth disease axonal type 2O. Also called: Charcot-Marie-Tooth disease, axonal, type 20; CHARCOT-MARIE-TOOTH NEUROPATHY, AXONAL, TYPE 2O; CHARCOT-MARIE-TOOTH DISEASE, AXONAL, AUTOSOMAL DOMINANT, TYPE 2O; Charcot-Marie-Tooth Neuropathy Type 2O. Identifiers: Orphanet 284232, MedGen C3280220, MONDO:0013644, OMIM 614228.

Submission:

Labcorp Genetics (formerly Invitae), Labcorp
Classification: Uncertain significance for Charcot-Marie-Tooth disease axonal type 2O. Last evaluated: 2024-05-26. Review status: criteria provided, single submitter. Criteria: Invitae Variant Classification Sherloc (09022015). Collection method: clinical testing. Allele origin: germline.
Comment: This sequence change replaces valine, which is neutral and non-polar, with leucine, which is neutral and non-polar, at codon 1352 of the DYNC1H1 protein (p.Val1352Leu). This variant is not present in population databases (gnomAD no frequency). This variant has not been reported in the literature in individuals affected with DYNC1H1-related conditions. Advanced modeling of protein sequence and biophysical properties (such as structural, functional, and spatial information, amino acid conservation, physicochemical variation, residue mobility, and thermodynamic stability) performed at Invitae indicates that this missense variant is not expected to disrupt DYNC1H1 protein function with a negative predictive value of 95%. In summary, the available evidence is currently insufficient to determine the role of this variant in disease. Therefore, it has been classified as a Variant of Uncertain Significance.

NM_001376.5(DYNC1H1):c.4054G>C (p.Val1352Leu)

Gene: DYNC1H1 (dynein cytoplasmic 1 heavy chain 1; plus strand). Cytogenetic location: 14q32.31.
Variant type: single nucleotide variant.
Coding change: c.4054G>C on transcript NM_001376.5 (MANE Select); coding-DNA position 4054, G replaced by C.
Protein change: p.Val1352Leu; replaces valine 1352 with leucine.
Molecular consequence: missense variant.
Genome position (GRCh38, 1-based): chr14:102,000,379, G>C. VCF-style: chr14-102000379-G-C. GRCh37 (hg19) VCF-style: chr14-102466716-G-C.
Other names: short protein forms V1352L.
Identifiers: ClinVar variation 3636139 (VCV003636139.2).